The following is an entry in ClinVar:

ClinVar aggregate classification (germline): Likely benign. Review status: criteria provided, multiple submitters, no conflicts (2 of 4 stars). 2 submissions from 2 submitters: Likely benign (2). Last evaluated 2025-02-25.

Conditions:
Familial cancer of breast. Also called: hereditary breast carcinoma; Hereditary breast cancer; BREAST CANCER, FAMILIAL. Identifiers: Orphanet 227535, MedGen C0346153, MONDO:0016419, OMIM 114480. Disease mechanism: loss of function.

gnomAD v4.1: 2 of 1,606,964 alleles (0.00012%); highest among the groups gnomAD compares: African/African-American, 0.0027%; no homozygotes.

Submissions (2):

Labcorp Genetics (formerly Invitae), Labcorp
Classification: Likely benign for Familial cancer of breast. Last evaluated: 2025-02-25. Review status: criteria provided, single submitter. Criteria: Invitae Variant Classification Sherloc (09022015). Collection method: clinical testing. Allele origin: germline.

Myriad Genetics, Inc.
Classification: Likely benign for Familial cancer of breast. Last evaluated: 2024-07-18. Review status: criteria provided, single submitter. Criteria: Myriad Autosomal Dominant, Autosomal Recessive and X-Linked Classification Criteria (2023). Collection method: clinical testing. Allele origin: unknown.
Comment: This variant is considered likely benign. This variant is intronic and is not expected to impact mRNA splicing.

NM_000465.4(BARD1):c.159-17T>C

Gene: BARD1 (BRCA1 associated RING domain 1; minus strand). Cytogenetic location: 2q35.
Variant type: single nucleotide variant.
Coding change: c.159-17T>C on transcript NM_000465.4 (MANE Select); 17 bases into the intron before coding-DNA position 159, T replaced by C.
Molecular consequence: intron variant.
Genome position (GRCh38, 1-based): chr2:214,797,134, A>G on the plus strand (T>C on the coding strand, the complement: BARD1 is on the minus strand). VCF-style: chr2-214797134-A-G. GRCh37 (hg19) VCF-style: chr2-215661858-A-G.
Other names: c.158+12278T>C (NM_001282548.2); c.159-4689T>C (NM_001282543.2); c.159-17T>C (NM_001282545.2, NM_001282549.2).
Identifiers: ClinVar variation 3379355 (VCV003379355.2).